The following is an entry in ClinVar:

NM_005045.4(RELN):c.13G>A (p.Gly5Ser)

Gene: RELN (reelin; minus strand). Cytogenetic location: 7q22.1.
Variant type: single nucleotide variant.
Coding change: c.13G>A on transcript NM_005045.4 (MANE Select); coding-DNA position 13, G replaced by A.
Protein change: p.Gly5Ser; replaces glycine 5 with serine.
Molecular consequence: missense variant.
Genome position (GRCh38, 1-based): chr7:103,989,344, C>T on the plus strand (G>A on the coding strand, the complement: RELN is on the minus strand). VCF-style: chr7-103989344-C-T. GRCh37 (hg19) VCF-style: chr7-103629791-C-T.
Other names: c.13G>A, p.Gly5Ser (NM_173054.3); short protein forms G5S.
Identifiers: ClinVar variation 2125684 (VCV002125684.4), dbSNP rs766288841, ClinGen allele CA4422745.

ClinVar aggregate classification (germline): Uncertain significance (1 of 4 stars; one submission).

Conditions:
Norman-Roberts syndrome (LIS2). Also called: Lissencephaly 2 (Norman-Roberts type). Identifiers: Orphanet 89844, MedGen C0796089, MONDO:0009760, OMIM 257320.
Familial temporal lobe epilepsy 7. Identifiers: Orphanet 101046, MedGen C4225327, MONDO:0014639, OMIM 616436.

Allele frequency attached by ClinVar (database versions not stated): ExAC 0.00001; gnomAD 0.00001; gnomAD exomes 0.00001; TOPMed 0.00001.
gnomAD v4.1: 4 of 1,530,862 alleles (0.00026%); highest among the groups gnomAD compares: Non-Finnish European, 0.00035%; no homozygotes.

Submission:

Labcorp Genetics (formerly Invitae), Labcorp
Classification: Uncertain significance for Familial temporal lobe epilepsy 7; Norman-Roberts syndrome. Last evaluated: 2022-07-27. Review status: criteria provided, single submitter. Criteria: Invitae Variant Classification Sherloc (09022015). Collection method: clinical testing. Allele origin: germline.
Comment: This sequence change replaces glycine, which is neutral and non-polar, with serine, which is neutral and polar, at codon 5 of the RELN protein (p.Gly5Ser). In summary, the available evidence is currently insufficient to determine the role of this variant in disease. Therefore, it has been classified as a Variant of Uncertain Significance. Algorithms developed to predict the effect of missense changes on protein structure and function output the following: SIFT: "Tolerated"; PolyPhen-2: "Benign"; Align-GVGD: "Class C0". The serine amino acid residue is found in multiple mammalian species, which suggests that this missense change does not adversely affect protein function. This variant has not been reported in the literature in individuals affected with RELN-related conditions. This variant is present in population databases (rs766288841, gnomAD 0.001%).